The following is an entry in ClinVar:

NC_000007.13:g.(?_75684128)_(75684336_?)del

Gene: MDH2 (malate dehydrogenase 2; plus strand). Cytogenetic location: 7q11.23.
Variant type: Deletion.
Identifiers: ClinVar variation 1450027 (VCV001450027.5).

ClinVar aggregate classification (germline): Uncertain significance (1 of 4 stars; one submission).

Submission:

Labcorp Genetics (formerly Invitae), Labcorp
Classification: Uncertain significance. Last evaluated: 2022-03-19. Review status: criteria provided, single submitter. Criteria: Invitae Variant Classification Sherloc (09022015). Collection method: clinical testing. Allele origin: germline.
Comment: In summary, the available evidence is currently insufficient to determine the role of this variant in disease. Therefore, it has been classified as a Variant of Uncertain Significance. This variant has not been reported in the literature in individuals affected with MDH2-related conditions. This variant is a gross deletion of the genomic region encompassing exon(s) 2 of the MDH2 gene. This deletion is out-of-frame, and is expected to create a premature translational stop signal and result in an absent or disrupted protein product. However, the current clinical and genetic evidence is not sufficient to establish whether loss-of-function variants in MDH2 cause disease.